The following is an entry in ClinVar:

ClinVar aggregate classification (germline): Likely pathogenic (1 of 4 stars; one submission).

Conditions:
Marfan syndrome (MFS). Also called: Marfan syndrome type 1; Marfan's syndrome; FBN1-Related Marfan Syndrome; MARFAN SYNDROME, TYPE I; Marfan syndrome, classic. Identifiers: Orphanet 284963, Orphanet 558, MedGen C0024796, MONDO:0007947, OMIM 154700.

Submission:

Centre of Medical Genetics, University of Antwerp
Classification: Likely pathogenic for Marfan syndrome. Last evaluated: 2021-03-01. Review status: criteria provided, single submitter. Criteria: Submitter's publication. Collection method: research. Allele origin: unknown. Affected: yes.
Comment: PM2, PS7, PP4

GRCh37/hg19 15q21.1(chr15:48703187-48714265)

Gene: FBN1 (fibrillin 1; minus strand). Cytogenetic location: 15q21.1.
Variant type: copy number loss.
Identifiers: ClinVar variation 1325468 (VCV001325468.2).